The following is an entry in ClinVar:

ClinVar aggregate classification (germline): Uncertain significance. Review status: criteria provided, multiple submitters, no conflicts (2 of 4 stars). 3 submissions from 3 submitters: Uncertain significance (2). 1 of the submissions does not count toward it. Last evaluated 2025-09-23.

Conditions:
PDLIM3-related disorder. Also called: PDLIM3-related condition.
Primary dilated cardiomyopathy (DCM). Also called: Dilated Cardiomyopathy. Identifiers: Orphanet 217604, MedGen C0007193, MeSH D002311, MONDO:0005021, HP:0001644. Inheritance: Various modes of inheritance.
Hypertrophic cardiomyopathy. Also called: HYPERTROPHIC MYOCARDIOPATHY. Identifiers: Orphanet 217569, MedGen C0007194, MeSH D002312, MONDO:0005045, HP:0001639.

Allele frequency attached by ClinVar (database versions not stated): gnomAD exomes below 0.00001 and 0.00001; ExAC 0.00002; gnomAD 0.00002; TOPMed 0.00004.

Submissions (3):

Labcorp Genetics (formerly Invitae), Labcorp
Classification: Uncertain significance for Hypertrophic cardiomyopathy; Primary dilated cardiomyopathy. Last evaluated: 2025-09-23. Review status: criteria provided, single submitter. Criteria: Invitae Variant Classification Sherloc (09022015). Collection method: clinical testing. Allele origin: germline.
Comment: This sequence change replaces isoleucine, which is neutral and non-polar, with asparagine, which is neutral and polar, at codon 159 of the PDLIM3 protein (p.Ile159Asn). This variant is present in population databases (rs730880177, gnomAD 0.02%). This variant has not been reported in the literature in individuals affected with PDLIM3-related conditions. ClinVar contains an entry for this variant (Variation ID: 180469). Invitae Evidence Modeling of protein sequence and biophysical properties (such as structural, functional, and spatial information, amino acid conservation, physicochemical variation, residue mobility, and thermodynamic stability) indicates that this missense variant is not expected to disrupt PDLIM3 protein function with a negative predictive value of 80%. In summary, the available evidence is currently insufficient to determine the role of this variant in disease. Therefore, it has been classified as a Variant of Uncertain Significance.

Ambry Genetics
Classification: Uncertain significance. Last evaluated: 2025-02-10. Review status: criteria provided, single submitter. Criteria: Ambry Variant Classification Scheme 2023. Collection method: clinical testing. Allele origin: germline.
Comment: The p.I159N variant (also known as c.476T>A), located in coding exon 5 of the PDLIM3 gene, results from a T to A substitution at nucleotide position 476. The isoleucine at codon 159 is replaced by asparagine, an amino acid with dissimilar properties. This amino acid position is conserved. In addition, this alteration is predicted to be tolerated by in silico analysis. Based on the available evidence, the clinical significance of this variant remains unclear.

PreventionGenetics, part of Exact Sciences
Classification: Uncertain significance for PDLIM3-related condition. Last evaluated: 2024-06-26. Review status: no assertion criteria provided. Collection method: clinical testing. Allele origin: germline. Not counted in ClinVar's aggregate classification.
Comment: The PDLIM3 c.476T>A variant is predicted to result in the amino acid substitution p.Ile159Asn. To our knowledge, this variant has not been reported in the literature. This variant is reported in 0.020% of alleles in individuals of African descent in gnomAD. At this time, the clinical significance of this variant is uncertain due to the absence of conclusive functional and genetic evidence.

NM_014476.6(PDLIM3):c.476T>A (p.Ile159Asn)

Gene: PDLIM3 (PDZ and LIM domain 3; minus strand). Cytogenetic location: 4q35.1.
Variant type: single nucleotide variant.
Coding change: c.476T>A on transcript NM_014476.6 (MANE Select); coding-DNA position 476, T replaced by A.
Protein change: p.Ile159Asn; replaces isoleucine 159 with asparagine.
Molecular consequence: missense variant. On other transcripts: intron variant (3).
Genome position (GRCh38, 1-based): chr4:185,508,485, A>T on the plus strand (T>A on the coding strand, the complement: PDLIM3 is on the minus strand). VCF-style: chr4-185508485-A-T. GRCh37 (hg19) VCF-style: chr4-186429639-A-T.
Other names: c.162-1833T>A (NM_001257963.2); c.399-1833T>A (NM_001257962.2); c.519-1833T>A (NM_001114107.5); c.476T>A (NM_014476.4); short protein forms I159N.
Identifiers: ClinVar variation 180469 (VCV000180469.6), dbSNP rs730880177, ClinGen allele CA346581.
Genomic context (GRCh38, chr4:185,508,485, plus strand): 5'-TCCATTTCCAAAGGAATGTTAGGGGCCAGCTTAGCCGCAACTTTCAAGTCACCTGGGCAA[A>T]TGGTACTAACAGTACTGACAGAAGAAGGGGTGCTGCGTCCACTGCCACAGTCAATCCCGG-3'
Protein context (NP_055291.2, residues 149-169): TPSSVSTVST[Ile159Asn]CPGDLKVAAK